The following is an entry in ClinVar:

ClinVar aggregate classification (germline): Uncertain significance (1 of 4 stars; one submission).

Conditions:
Ataxia-telangiectasia syndrome (AT). Also called: LOUIS-BAR SYNDROME; Cerebello-oculocutaneous telangiectasia; Immunodeficiency with ataxia telangiectasia; Ataxia-telangiectasia, complementation group D; AT, COMPLEMENTATION GROUP C; ATAXIA-TELANGIECTASIA, COMPLEMENTATION GROUP A. Identifiers: Orphanet 100, MedGen C0004135, MONDO:0008840, OMIM 208900.

Submission:

Labcorp Genetics (formerly Invitae), Labcorp
Classification: Uncertain significance for Ataxia-telangiectasia syndrome. Last evaluated: 2025-02-10. Review status: criteria provided, single submitter. Criteria: Invitae Variant Classification Sherloc (09022015). Collection method: clinical testing. Allele origin: germline.
Comment: This sequence change replaces phenylalanine, which is neutral and non-polar, with leucine, which is neutral and non-polar, at codon 2839 of the ATM protein (p.Phe2839Leu). This variant is not present in population databases (gnomAD no frequency). This variant has not been reported in the literature in individuals affected with ATM-related conditions. Invitae Evidence Modeling of protein sequence and biophysical properties (such as structural, functional, and spatial information, amino acid conservation, physicochemical variation, residue mobility, and thermodynamic stability) indicates that this missense variant is expected to disrupt ATM protein function with a positive predictive value of 80%. In summary, the available evidence is currently insufficient to determine the role of this variant in disease. Therefore, it has been classified as a Variant of Uncertain Significance.

NM_000051.4(ATM):c.8515T>C (p.Phe2839Leu)

Genes: ATM (ATM serine/threonine kinase; plus strand), C11orf65 (chromosome 11 open reading frame 65; minus strand). Cytogenetic location: 11q22.3.
Variant type: single nucleotide variant.
Coding change: c.8515T>C on transcript NM_000051.4 (MANE Select); coding-DNA position 8515, T replaced by C.
Protein change: p.Phe2839Leu; replaces phenylalanine 2839 with leucine.
Molecular consequence: missense variant. On other transcripts: intron variant (2).
Genome position (GRCh38, 1-based): chr11:108,345,839, T>C. VCF-style: chr11-108345839-T-C. GRCh37 (hg19) VCF-style: chr11-108216566-T-C.
Other names: c.8515T>C, p.Phe2839Leu (NM_001351834.2); c.641-36768A>G (NM_001330368.2); c.695-10547A>G (NM_001351110.2); short protein forms F2839L.
Identifiers: ClinVar variation 4747272 (VCV004747272.1).